The following is an entry in ClinVar:

ClinVar aggregate classification (germline): Uncertain significance (1 of 4 stars; one submission).

Submission:

Labcorp Genetics (formerly Invitae), Labcorp
Classification: Uncertain significance. Last evaluated: 2022-11-24. Review status: criteria provided, single submitter. Criteria: Invitae Variant Classification Sherloc (09022015). Collection method: clinical testing. Allele origin: germline.
Comment: This sequence change affects an acceptor splice site in intron 3 of the SLC10A2 gene. It is expected to disrupt RNA splicing. Variants that disrupt the donor or acceptor splice site typically lead to a loss of protein function (PMID: 16199547), however the current clinical and genetic evidence is not sufficient to establish whether loss-of-function variants in SLC10A2 cause disease. This variant is not present in population databases (gnomAD no frequency). This variant has not been reported in the literature in individuals affected with SLC10A2-related conditions. Algorithms developed to predict the effect of sequence changes on RNA splicing suggest that this variant may disrupt the consensus splice site. In summary, the available evidence is currently insufficient to determine the role of this variant in disease. Therefore, it has been classified as a Variant of Uncertain Significance.

Literature cited by the submitters: PubMed 16199547.

NM_000452.3(SLC10A2):c.586-2A>G

Gene: SLC10A2 (solute carrier family 10 member 2; minus strand). Cytogenetic location: 13q33.1.
Variant type: single nucleotide variant.
Coding change: c.586-2A>G on transcript NM_000452.3 (MANE Select); the canonical splice acceptor site of the intron before coding-DNA position 586, A replaced by G.
Molecular consequence: splice acceptor variant.
Genome position (GRCh38, 1-based): chr13:103,051,434, T>C on the plus strand (A>G on the coding strand, the complement: SLC10A2 is on the minus strand). VCF-style: chr13-103051434-T-C. GRCh37 (hg19) VCF-style: chr13-103703784-T-C.
Identifiers: ClinVar variation 2816480 (VCV002816480.3), dbSNP rs2501814300, ClinGen allele CA388606334.